The following is an entry in ClinVar:

ClinVar aggregate classification (germline): Uncertain significance (1 of 4 stars; one submission).

Submission:

Labcorp Genetics (formerly Invitae), Labcorp
Classification: Uncertain significance. Last evaluated: 2022-07-05. Review status: criteria provided, single submitter. Criteria: Invitae Variant Classification Sherloc (09022015). Collection method: clinical testing. Allele origin: germline.
Comment: This variant has not been reported in the literature in individuals affected with EMC1-related conditions. This sequence change replaces arginine, which is basic and polar, with glycine, which is neutral and non-polar, at codon 257 of the EMC1 protein (p.Arg257Gly). This variant is not present in population databases (gnomAD no frequency). Algorithms developed to predict the effect of missense changes on protein structure and function (SIFT, PolyPhen-2, Align-GVGD) all suggest that this variant is likely to be tolerated. In summary, the available evidence is currently insufficient to determine the role of this variant in disease. Therefore, it has been classified as a Variant of Uncertain Significance.

NM_015047.3(EMC1):c.769A>G (p.Arg257Gly)

Genes: EMC1 (ER membrane protein complex subunit 1; minus strand), EMC1-AS1 (EMC1 antisense RNA 1; plus strand). Cytogenetic location: 1p36.13.
Variant type: single nucleotide variant.
Coding change: c.769A>G on transcript NM_015047.3 (MANE Select); coding-DNA position 769, A replaced by G.
Protein change: p.Arg257Gly; replaces arginine 257 with glycine.
Molecular consequence: missense variant. On other transcripts: non-coding transcript variant (1).
Genome position (GRCh38, 1-based): chr1:19,240,314, T>C on the plus strand (A>G on the coding strand, the complement: EMC1 is on the minus strand). VCF-style: chr1-19240314-T-C. GRCh37 (hg19) VCF-style: chr1-19566808-T-C.
Other names: c.769A>G, p.Arg257Gly (NM_001271427.2, NM_001271428.2, NM_001375820.1 and 1 more transcripts); c.703A>G, p.Arg235Gly (NM_001271429.2); short protein forms R235G, R257G.
Identifiers: ClinVar variation 2014199 (VCV002014199.4), dbSNP rs2093597322, ClinGen allele CA338768728.
Genomic context (GRCh38, chr1:19,240,314, plus strand): 5'-CAGGAAATGCCTCAGGCCAGAAGAAGCAGTGGCAGCCTCTCACCTGCAGTGGGATCTGTC[T>C]CAACTCCCATTCCGTCTCCAGAGCCAAAGTTTGGAGGGAACGTGAGCTCGGGTCAGGACA-3'
Protein context (NP_055862.1, residues 247-267): TLALETEWEL[Arg257Gly]QIPLQSLDLE